The following is an entry in ClinVar:

ClinVar aggregate classification (germline): Uncertain significance. Review status: criteria provided, multiple submitters, no conflicts (2 of 4 stars). 2 submissions from 2 submitters: Uncertain significance (2). Last evaluated 2026-07-06.

Conditions:
Hereditary cancer-predisposing syndrome. Also called: Neoplastic Syndromes, Hereditary; Hereditary neoplastic syndrome; Hereditary Cancer Syndrome; Tumor predisposition. Identifiers: Orphanet 140162, MedGen C0027672, MeSH D009386, MONDO:0015356.
Hereditary diffuse gastric adenocarcinoma (HDGC). Also called: DIFFUSE GASTRIC AND LOBULAR BREAST CANCER SYNDROME. Identifiers: Orphanet 26106, MedGen C1708349, MONDO:0007648, OMIM 137215.

Submissions (2):

Ambry Genetics
Classification: Uncertain significance for Hereditary cancer-predisposing syndrome. Last evaluated: 2026-07-06. Review status: criteria provided, single submitter. Criteria: Ambry Variant Classification Scheme 2023. Collection method: clinical testing. Allele origin: germline.
Comment: The p.A348S variant (also known as c.1042G>T), located in coding exon 8 of the CDH1 gene, results from a G to T substitution at nucleotide position 1042. The alanine at codon 348 is replaced by serine, an amino acid with similar properties. This amino acid position is conserved. In addition, this alteration is predicted to be tolerated by in silico analysis. Based on the available evidence, the clinical significance of this variant remains unclear.

Labcorp Genetics (formerly Invitae), Labcorp
Classification: Uncertain significance for Hereditary diffuse gastric adenocarcinoma. Last evaluated: 2025-07-31. Review status: criteria provided, single submitter. Criteria: Invitae Variant Classification Sherloc (09022015). Collection method: clinical testing. Allele origin: germline.
Comment: This sequence change replaces alanine, which is neutral and non-polar, with serine, which is neutral and polar, at codon 348 of the CDH1 protein (p.Ala348Ser). This variant is not present in population databases (gnomAD no frequency). This variant has not been reported in the literature in individuals affected with CDH1-related conditions. ClinVar contains an entry for this variant (Variation ID: 463697). An algorithm developed to predict the effect of missense changes on protein structure and function (PolyPhen-2) suggests that this variant is likely to be disruptive. In summary, the available evidence is currently insufficient to determine the role of this variant in disease. Therefore, it has been classified as a Variant of Uncertain Significance.

NM_004360.5(CDH1):c.1042G>T (p.Ala348Ser)

Gene: CDH1 (cadherin 1; plus strand). Cytogenetic location: 16q22.1.
Variant type: single nucleotide variant.
Coding change: c.1042G>T on transcript NM_004360.5 (MANE Select); coding-DNA position 1042, G replaced by T.
Protein change: p.Ala348Ser; replaces alanine 348 with serine.
Molecular consequence: missense variant. On other transcripts: 5 prime UTR variant (2).
Genome position (GRCh38, 1-based): chr16:68,812,168, G>T. VCF-style: chr16-68812168-G-T. GRCh37 (hg19) VCF-style: chr16-68846071-G-T.
Other names: c.1042G>T (LRG_301t1); c.1042G>T, p.Ala348Ser (NM_001317184.2); c.-574G>T (NM_001317185.2); c.-778G>T (NM_001317186.2); short protein forms A348S.
Identifiers: ClinVar variation 463697 (VCV000463697.10), dbSNP rs1555515724, ClinGen allele CA396459978.